The following is an entry in ClinVar:

ClinVar aggregate classification (germline): Pathogenic (1 of 4 stars; one submission).

Conditions:
Primary ciliary dyskinesia. Also called: Ciliary dyskinesia. Identifiers: Orphanet 244, MedGen C0008780, MONDO:0016575, HP:0012265.

Allele frequency attached by ClinVar (database versions not stated): ExAC 0.00001; gnomAD exomes 0.00002.

Submission:

Labcorp Genetics (formerly Invitae), Labcorp
Classification: Pathogenic for Primary ciliary dyskinesia. Last evaluated: 2023-07-07. Review status: criteria provided, single submitter. Criteria: Invitae Variant Classification Sherloc (09022015). Collection method: clinical testing. Allele origin: germline.
Comment: For these reasons, this variant has been classified as Pathogenic. This variant has not been reported in the literature in individuals affected with DNAH8-related conditions. This variant is present in population databases (rs756919169, gnomAD 0.0009%). This sequence change creates a premature translational stop signal (p.Glu1528Asnfs*41) in the DNAH8 gene. It is expected to result in an absent or disrupted protein product. Loss-of-function variants in DNAH8 are known to be pathogenic (PMID: 24307375, 32619401, 32681648).

Literature cited by the submitters: PubMed 24307375; PubMed 32619401; PubMed 32681648.

NM_001206927.2(DNAH8):c.4582del (p.Glu1528fs)

Gene: DNAH8 (dynein axonemal heavy chain 8; plus strand). Cytogenetic location: 6p21.2.
Variant type: Deletion.
Coding change: c.4582del on transcript NM_001206927.2 (MANE Select); coding-DNA position 4582, one base deleted (G; older notation c.4582delG).
Protein change: p.Glu1528fs; shifts the reading frame from glutamic acid 1528.
Molecular consequence: frameshift variant.
Genome position (GRCh38, 1-based): chr6:38,842,483, G deleted. VCF-style (leftmost placement, unchanged base first): chr6-38842482-AG-A. GRCh37 (hg19) VCF-style: chr6-38810258-AG-A.
Other names: c.3931del, p.Glu1311fs (NM_001371.4); short protein forms E1311fs, E1528fs.
Identifiers: ClinVar variation 2790615 (VCV002790615.3), dbSNP rs756919169, ClinGen allele CA3789157.